The following is an entry in ClinVar:

NM_001374828.1(ARID1B):c.377C>T (p.Ala126Val)

Genes: ARID1B (AT-rich interaction domain 1B; plus strand), LOC115308161 (uncharacterized LOC115308161; minus strand). Cytogenetic location: 6q25.3.
Variant type: single nucleotide variant.
Coding change: c.377C>T on transcript NM_001374828.1 (MANE Select); coding-DNA position 377, C replaced by T.
Protein change: p.Ala126Val; replaces alanine 126 with valine.
Molecular consequence: missense variant.
Genome position (GRCh38, 1-based): chr6:156,778,057, C>T. VCF-style: chr6-156778057-C-T. GRCh37 (hg19) VCF-style: chr6-157099191-C-T.
Other names: c.377C>T, p.Ala126Val (NM_001371656.1, NM_001374820.1, NM_001438482.1 and 9 more transcripts); short protein forms A126V.
Identifiers: ClinVar variation 4804572 (VCV004804572.1).

ClinVar aggregate classification (germline): Uncertain significance (1 of 4 stars; one submission).

gnomAD v4.1: 1 of 1,534,532 alleles (0.000065%); highest among the groups gnomAD compares: African/African-American, 0.0014%; no homozygotes.

Submission:

Labcorp Genetics (formerly Invitae), Labcorp
Classification: Uncertain significance. Last evaluated: 2025-10-26. Review status: criteria provided, single submitter. Criteria: Invitae Variant Classification Sherloc (09022015). Collection method: clinical testing. Allele origin: germline.
Comment: This sequence change replaces alanine, which is neutral and non-polar, with valine, which is neutral and non-polar, at codon 43 of the ARID1B protein (p.Ala43Val). This variant is not present in population databases (gnomAD no frequency). This variant has not been reported in the literature in individuals affected with ARID1B-related conditions. Invitae Evidence Modeling of protein sequence and biophysical properties (such as structural, functional, and spatial information, amino acid conservation, physicochemical variation, residue mobility, and thermodynamic stability) indicates that this missense variant is not expected to disrupt ARID1B protein function with a negative predictive value of 95%. In summary, the available evidence is currently insufficient to determine the role of this variant in disease. Therefore, it has been classified as a Variant of Uncertain Significance.